The following is an entry in ClinVar:

NM_001029865.4(DBX1):c.735G>A (p.Leu245=)

Genes: DBX1 (developing brain homeobox 1; minus strand), LOC126861159 (BRD4-independent group 4 enhancer GRCh37_chr11:20177816-20179015; plus strand). Cytogenetic location: 11p15.1.
Variant type: single nucleotide variant.
Coding change: c.735G>A on transcript NM_001029865.4 (MANE Select); coding-DNA position 735, G replaced by A.
Protein change: p.Leu245=; no amino-acid change (leucine 245 retained).
Molecular consequence: synonymous variant.
Genome position (GRCh38, 1-based): chr11:20,156,511, C>T on the plus strand (G>A on the coding strand, the complement: DBX1 is on the minus strand). VCF-style: chr11-20156511-C-T. GRCh37 (hg19) VCF-style: chr11-20178057-C-T.
Identifiers: ClinVar variation 2641685 (VCV002641685.24), dbSNP rs769814372, ClinGen allele CA5919736.
Genomic context (GRCh38, chr11:20,156,511, plus strand): 5'-GAGGTCCGGGTGCGGATTGAGCTTGGTGGGCAGGGTCTGCTCGCGACAGCCCCCGCTAGA[C>T]AGGAGTTCGCGCTCCTTGGAGTTCCGCCATTTCATGCGTCGGTTCTGGAACCAGATTTTC-3'
Protein context (NP_001025036.2, residues 235-255): KWRNSKEREL[Leu245=]SSGGCREQTL

ClinVar aggregate classification (germline): Likely benign (1 of 4 stars; one submission).

Allele frequency attached by ClinVar (database versions not stated): ExAC 0.00001.

Submission:

CeGaT Center for Human Genetics Tuebingen
Classification: Likely benign. Last evaluated: 2022-06-01. Review status: criteria provided, single submitter. Criteria: CeGaT Center For Human Genetics Tuebingen Variant Classification Criteria Version 2. Collection method: clinical testing. Allele origin: germline. Affected: yes. Observed: 1 variant allele.
Comment: DBX1: BP4, BP7